The following is an entry in ClinVar:

ClinVar aggregate classification (germline): Uncertain significance. Review status: criteria provided, multiple submitters, no conflicts (2 of 4 stars). 4 submissions from 4 submitters: Uncertain significance (4). Last evaluated 2025-12-11.

Conditions:
Retinitis pigmentosa 71 (RP71). Identifiers: Orphanet 791, MedGen C4225342, MONDO:0014618, OMIM 616394.
Short-rib thoracic dysplasia 10 with or without polydactyly (SRTD10). Identifiers: Orphanet 474, MedGen C3810175, MONDO:0014284, OMIM 615630.
IFT172-related disorder. Also called: IFT172-related disorders; IFT172-related condition.
Inborn genetic diseases. Identifiers: MedGen C0950123, MeSH D030342.

Allele frequency attached by ClinVar (database versions not stated): gnomAD exomes below 0.00001 and 0.00001; gnomAD 0.00001; TOPMed 0.00001.

Submissions (4):

Ambry Genetics
Classification: Uncertain significance for Inborn genetic diseases. Last evaluated: 2025-12-11. Review status: criteria provided, single submitter. Criteria: Ambry Variant Classification Scheme 2023. Collection method: clinical testing. Allele origin: germline.

PreventionGenetics, part of Exact Sciences
Classification: Uncertain significance for IFT172-related condition. Last evaluated: 2025-11-19. Review status: criteria provided, single submitter. Criteria: ACMG Guidelines, 2015. Collection method: clinical testing. Allele origin: germline.
Comment: The IFT172 c.3568G>A variant is predicted to result in the amino acid substitution p.Val1190Met. To our knowledge, this variant has not been reported in the literature. This variant is reported in 0.00089% of alleles in individuals of European (Non-Finnish) descent in gnomAD. At this time, the clinical significance of this variant is uncertain due to the absence of conclusive functional and genetic evidence.

GeneDx
Classification: Uncertain significance. Last evaluated: 2023-03-02. Review status: criteria provided, single submitter. Criteria: GeneDx Variant Classification Process June 2021. Collection method: clinical testing. Allele origin: germline. Affected: yes.
Comment: Not observed at significant frequency in large population cohorts (gnomAD); In silico analysis supports that this missense variant has a deleterious effect on protein structure/function; Has not been previously published as pathogenic or benign to our knowledge

Labcorp Genetics (formerly Invitae), Labcorp
Classification: Uncertain significance for Retinitis pigmentosa 71; Short-rib thoracic dysplasia 10 with or without polydactyly. Last evaluated: 2022-09-06. Review status: criteria provided, single submitter. Criteria: Invitae Variant Classification Sherloc (09022015). Collection method: clinical testing. Allele origin: germline.
Comment: Algorithms developed to predict the effect of missense changes on protein structure and function are either unavailable or do not agree on the potential impact of this missense change (SIFT: "Deleterious"; PolyPhen-2: "Probably Damaging"; Align-GVGD: "Class C0"). ClinVar contains an entry for this variant (Variation ID: 1058757). This variant has not been reported in the literature in individuals affected with IFT172-related conditions. This variant is present in population databases (no rsID available, gnomAD 0.0009%). This sequence change replaces valine, which is neutral and non-polar, with methionine, which is neutral and non-polar, at codon 1190 of the IFT172 protein (p.Val1190Met). In summary, the available evidence is currently insufficient to determine the role of this variant in disease. Therefore, it has been classified as a Variant of Uncertain Significance.

NM_015662.3(IFT172):c.3568G>A (p.Val1190Met)

Genes: IFT172 (intraflagellar transport 172; minus strand), LOC126806173 (BRD4-independent group 4 enhancer GRCh37_chr2:27676057-27677256; plus strand). Cytogenetic location: 2p23.3.
Variant type: single nucleotide variant.
Coding change: c.3568G>A on transcript NM_015662.3 (MANE Select); coding-DNA position 3568, G replaced by A.
Protein change: p.Val1190Met; replaces valine 1190 with methionine.
Molecular consequence: missense variant.
Genome position (GRCh38, 1-based): chr2:27,454,125, C>T on the plus strand (G>A on the coding strand, the complement: IFT172 is on the minus strand). VCF-style: chr2-27454125-C-T. GRCh37 (hg19) VCF-style: chr2-27676992-C-T.
Other names: c.3568G>A (NM_015662.2, NM_015662.1); short protein forms V1190M.
Identifiers: ClinVar variation 1058757 (VCV001058757.12), dbSNP rs1456528874, ClinGen allele CA346378624.
Genomic context (GRCh38, chr2:27,454,125, plus strand): 5'-CCCCCCGGGCCTGTCCCACAAGCACCTCGGCGACACTGTCAGGGTCGTGAGCCTCAGCCA[C>T]ACGCTGAGCTGCCTCCCAATCCTGGTTATGGACAAACCTGCCTCCAGGTGGGGACAGAGG-3'
Protein context (NP_056477.1, residues 1180-1200): HNQDWEAAQR[Val1190Met]AEAHDPDSVA